The following is an entry in ClinVar:

NM_001277115.2(DNAH11):c.7205A>T (p.Tyr2402Phe)

Gene: DNAH11 (dynein axonemal heavy chain 11; plus strand). Cytogenetic location: 7p15.3.
Variant type: single nucleotide variant.
Coding change: c.7205A>T on transcript NM_001277115.2 (MANE Select); coding-DNA position 7205, A replaced by T.
Protein change: p.Tyr2402Phe; replaces tyrosine 2402 with phenylalanine.
Molecular consequence: missense variant.
Genome position (GRCh38, 1-based): chr7:21,720,795, A>T. VCF-style: chr7-21720795-A-T. GRCh37 (hg19) VCF-style: chr7-21760413-A-T.
Other names: c.7226A>T, p.Tyr2409Phe (NM_003777.3); short protein forms Y2402F, Y2409F.
Identifiers: ClinVar variation 2853013 (VCV002853013.3), dbSNP rs747126718, ClinGen allele CA366943944.
Genomic context (GRCh38, chr7:21,720,795, plus strand): 5'-TTCTTTTGGAGTGCTTGCTGACTCCTGAAAATGTACCTTCTGACAGCCCAAAAGAAGTTT[A>T]TGAAGTCTATTTTGTATTTGCTTGTATCTGGGCTTTTGGAGGCACCCTGCTACAAGATCA-3'
Protein context (NP_001264044.1, residues 2392-2412): NVPSDSPKEV[Tyr2402Phe]EVYFVFACIW

ClinVar aggregate classification (germline): Uncertain significance (1 of 4 stars; one submission).

Conditions:
Primary ciliary dyskinesia. Also called: Ciliary dyskinesia. Identifiers: Orphanet 244, MedGen C0008780, MONDO:0016575, HP:0012265.

Submission:

Labcorp Genetics (formerly Invitae), Labcorp
Classification: Uncertain significance for Primary ciliary dyskinesia. Last evaluated: 2023-04-07. Review status: criteria provided, single submitter. Criteria: Invitae Variant Classification Sherloc (09022015). Collection method: clinical testing. Allele origin: germline.
Comment: This sequence change replaces tyrosine, which is neutral and polar, with phenylalanine, which is neutral and non-polar, at codon 2402 of the DNAH11 protein (p.Tyr2402Phe). This variant is not present in population databases (gnomAD no frequency). This variant has not been reported in the literature in individuals affected with DNAH11-related conditions. Advanced modeling of protein sequence and biophysical properties (such as structural, functional, and spatial information, amino acid conservation, physicochemical variation, residue mobility, and thermodynamic stability) performed at Invitae indicates that this missense variant is not expected to disrupt DNAH11 protein function. In summary, the available evidence is currently insufficient to determine the role of this variant in disease. Therefore, it has been classified as a Variant of Uncertain Significance.